The following is an entry in ClinVar:

ClinVar aggregate classification (germline): Pathogenic (1 of 4 stars; one submission).

Submission:

Labcorp Genetics (formerly Invitae), Labcorp
Classification: Pathogenic. Last evaluated: 2023-10-04. Review status: criteria provided, single submitter. Criteria: Invitae Variant Classification Sherloc (09022015). Collection method: clinical testing. Allele origin: germline.
Comment: This sequence change creates a premature translational stop signal (p.Pro1381Hisfs*163) in the LRP5 gene. While this is not anticipated to result in nonsense mediated decay, it is expected to disrupt the last 235 amino acid(s) of the LRP5 protein. This variant is not present in population databases (gnomAD no frequency). This variant has not been reported in the literature in individuals affected with LRP5-related conditions. This variant disrupts a region of the LRP5 protein in which other variant(s) (p.Glu1597*) have been determined to be pathogenic (PMID: 30283887, 31106028). This suggests that this is a clinically significant region of the protein, and that variants that disrupt it are likely to be disease-causing. For these reasons, this variant has been classified as Pathogenic.

Literature cited by the submitters: PubMed 30283887; PubMed 31106028.

NM_002335.4(LRP5):c.4142_4158del (p.Pro1381fs)

Gene: LRP5 (LDL receptor related protein 5; plus strand). Cytogenetic location: 11q13.2.
Variant type: Deletion.
Coding change: c.4142_4158del on transcript NM_002335.4 (MANE Select); coding-DNA positions 4142 to 4158, 17 bases deleted (CGGCCCACAGCAGTGCC).
Protein change: p.Pro1381fs; shifts the reading frame from proline 1381.
Molecular consequence: frameshift variant.
Genome position (GRCh38, 1-based): chr11:68,438,476-68,438,492, CGGCCCACAGCAGTGCC deleted; deleting any 17 consecutive bases within chr11:68,438,473-68,438,492 gives the same sequence; the c. name uses the placement nearest the transcript's 3' end. VCF-style (leftmost placement, unchanged base first): chr11-68438472-AGCCCGGCCCACAGCAGT-A. GRCh37 (hg19) VCF-style: chr11-68205940-AGCCCGGCCCACAGCAGT-A.
Other names: c.2399_2415del, p.Pro800fs (NM_001291902.2); short protein forms P1381fs, P800fs.
Identifiers: ClinVar variation 2764948 (VCV002764948.3), dbSNP rs2496899629, ClinGen allele CA2697548776.